The following is an entry in ClinVar:

ClinVar aggregate classification (germline): Uncertain significance (1 of 4 stars; one submission).

Submission:

GeneDx
Classification: Uncertain significance. Last evaluated: 2023-12-10. Review status: criteria provided, single submitter. Criteria: GeneDx Variant Classification Process June 2021. Collection method: clinical testing. Allele origin: germline. Affected: yes.
Comment: Not observed at significant frequency in large population cohorts (gnomAD); In silico analysis supports that this missense variant does not alter protein structure/function; Has not been previously published as pathogenic or benign to our knowledge

NM_030912.3(TRIM8):c.133A>G (p.Lys45Glu)

Genes: TRIM8 (tripartite motif containing 8; plus strand), LOC130004618 (ATAC-STARR-seq lymphoblastoid active region 3941; plus strand). Cytogenetic location: 10q24.32.
Variant type: single nucleotide variant.
Coding change: c.133A>G on transcript NM_030912.3 (MANE Select); coding-DNA position 133, A replaced by G.
Protein change: p.Lys45Glu; replaces lysine 45 with glutamic acid.
Molecular consequence: missense variant. On other transcripts: non-coding transcript variant (1).
Genome position (GRCh38, 1-based): chr10:102,644,750, A>G. VCF-style: chr10-102644750-A-G. GRCh37 (hg19) VCF-style: chr10-104404507-A-G.
Other names: c.133A>G, p.Lys45Glu (NM_001345950.1); short protein forms K45E.
Identifiers: ClinVar variation 3252861 (VCV003252861.1), dbSNP rs2492887399.